The following is an entry in ClinVar:

NM_032271.3(TRAF7):c.468G>C (p.Leu156Phe)

Gene: TRAF7 (TNF receptor associated factor 7; plus strand). Cytogenetic location: 16p13.3.
Variant type: single nucleotide variant.
Coding change: c.468G>C on transcript NM_032271.3 (MANE Select); coding-DNA position 468, G replaced by C.
Protein change: p.Leu156Phe; replaces leucine 156 with phenylalanine.
Molecular consequence: missense variant.
Genome position (GRCh38, 1-based): chr16:2,171,598, G>C. VCF-style: chr16-2171598-G-C. GRCh37 (hg19) VCF-style: chr16-2221599-G-C.
Other names: short protein forms L156F.
Identifiers: ClinVar variation 2646043 (VCV002646043.24), dbSNP rs144871289, ClinGen allele CA7834597.

ClinVar aggregate classification (germline): Likely benign (1 of 4 stars; one submission).

Allele frequency attached by ClinVar (database versions not stated): TOPMed 0.00006; ESP Exome Variant Server 0.00008.

Submission:

CeGaT Center for Human Genetics Tuebingen
Classification: Likely benign. Last evaluated: 2026-06-01. Review status: criteria provided, single submitter. Criteria: CeGaT Center For Human Genetics Tuebingen Variant Classification Criteria Version 2. Collection method: clinical testing. Allele origin: germline. Affected: yes. Observed: 4 variant alleles.
Comment: TRAF7: BS2